The following is an entry in ClinVar:

NM_003124.5(SPR):c.270G>A (p.Lys90=)

Gene: SPR (sepiapterin reductase; plus strand). Cytogenetic location: 2p13.2.
Variant type: single nucleotide variant.
Coding change: c.270G>A on transcript NM_003124.5 (MANE Select); coding-DNA position 270, G replaced by A.
Protein change: p.Lys90=; no amino-acid change (lysine 90 retained).
Molecular consequence: synonymous variant.
Genome position (GRCh38, 1-based): chr2:72,887,702, G>A. VCF-style: chr2-72887702-G-A. GRCh37 (hg19) VCF-style: chr2-73114831-G-A.
Identifiers: ClinVar variation 4873807 (VCV004873807.2).

ClinVar aggregate classification (germline): Likely benign (1 of 4 stars; one submission).

gnomAD v4.1: 2 of 1,507,606 alleles (0.00013%); highest among the groups gnomAD compares: Non-Finnish European, 0.00018%; no homozygotes.

Submission:

CeGaT Center for Human Genetics Tuebingen
Classification: Likely benign. Last evaluated: 2026-06-01. Review status: criteria provided, single submitter. Criteria: CeGaT Center For Human Genetics Tuebingen Variant Classification Criteria Version 2. Collection method: clinical testing. Allele origin: germline. Affected: yes. Observed: 1 variant allele.
Comment: SPR: BP4, BP7